The following is an entry in ClinVar:

ClinVar aggregate classification (germline): Uncertain significance (1 of 4 stars; one submission).

Conditions:
Idiopathic Pulmonary Fibrosis. Also called: Idiopathic fibrosing alveolitis, chronic form; idiopathic fibrosing alveolitis. Identifiers: Orphanet 2032, MedGen C1800706, MeSH D054990, MONDO:0800504.
Dyskeratosis congenita, autosomal dominant 2. Identifiers: MedGen C3151443, MONDO:0013521, OMIM 613989.

gnomAD v4.1: 2 of 1,528,664 alleles (0.00013%); highest among the groups gnomAD compares: Non-Finnish European, 0.00017%; no homozygotes.

Submission:

Labcorp Genetics (formerly Invitae), Labcorp
Classification: Uncertain significance for Dyskeratosis congenita, autosomal dominant 2; Idiopathic Pulmonary Fibrosis. Last evaluated: 2026-01-12. Review status: criteria provided, single submitter. Criteria: Invitae Variant Classification Sherloc (09022015). Collection method: clinical testing. Allele origin: germline.
Comment: This sequence change replaces alanine, which is neutral and non-polar, with valine, which is neutral and non-polar, at codon 68 of the TERT protein (p.Ala68Val). This variant is not present in population databases (gnomAD no frequency). This variant has not been reported in the literature in individuals affected with TERT-related conditions. ClinVar contains an entry for this variant (Variation ID: 661893). Invitae Evidence Modeling of protein sequence and biophysical properties (such as structural, functional, and spatial information, amino acid conservation, physicochemical variation, residue mobility, and thermodynamic stability) indicates that this missense variant is not expected to disrupt TERT protein function with a negative predictive value of 95%. In summary, the available evidence is currently insufficient to determine the role of this variant in disease. Therefore, it has been classified as a Variant of Uncertain Significance.

NM_198253.3(TERT):c.203C>T (p.Ala68Val)

Genes: TERT (telomerase reverse transcriptase; minus strand), LOC110806263 (TERT 5' regulatory region; plus strand). Cytogenetic location: 5p15.33.
Variant type: single nucleotide variant.
Coding change: c.203C>T on transcript NM_198253.3 (MANE Select); coding-DNA position 203, C replaced by T.
Protein change: p.Ala68Val; replaces alanine 68 with valine.
Molecular consequence: missense variant. On other transcripts: non-coding transcript variant (2).
Genome position (GRCh38, 1-based): chr5:1,294,787, G>A on the plus strand (C>T on the coding strand, the complement: TERT is on the minus strand). VCF-style: chr5-1294787-G-A. GRCh37 (hg19) VCF-style: chr5-1294902-G-A.
Other names: c.203C>T, p.Ala68Val (NM_001193376.3); short protein forms A68V.
Identifiers: ClinVar variation 661893 (VCV000661893.11), dbSNP rs1421869855, ClinGen allele CA359058812.